The following is an entry in ClinVar:

NM_001876.4(CPT1A):c.1015C>T (p.Arg339Ter)

Gene: CPT1A (carnitine palmitoyltransferase 1A; minus strand). Cytogenetic location: 11q13.3.
Variant type: single nucleotide variant.
Coding change: c.1015C>T on transcript NM_001876.4 (MANE Select); coding-DNA position 1015, C replaced by T.
Protein change: p.Arg339Ter; replaces arginine 339 with a stop codon.
Molecular consequence: nonsense.
Genome position (GRCh38, 1-based): chr11:68,784,963, G>A on the plus strand (C>T on the coding strand, the complement: CPT1A is on the minus strand). VCF-style: chr11-68784963-G-A. GRCh37 (hg19) VCF-style: chr11-68552431-G-A.
Other names: c.1015C>T, p.Arg339Ter (NM_001031847.3); short protein forms R339*.
Identifiers: ClinVar variation 1070426 (VCV001070426.14), dbSNP rs1435045544, ClinGen allele CA381633469.
Genomic context (GRCh38, chr11:68,784,963, plus strand): 5'-TCTCCCGGGGCTTCAGCAGCCGCCCATCATGGTAGAGCCAGACCTTGAAGTAGCGTCCTC[G>A]ATGGTACACGACGATGTGCTTGCTGTCTCTCATGTGCTGGATGGTGTCTGAGCCGGCCGC-3'

ClinVar aggregate classification (germline): Pathogenic. Review status: criteria provided, multiple submitters, no conflicts (2 of 4 stars). 4 submissions from 4 submitters: Pathogenic (3). 1 of the submissions does not count toward it. Last evaluated 2023-03-27.

Conditions:
Carnitine palmitoyl transferase 1A deficiency. Also called: CPT I DEFICIENCY; CPT DEFICIENCY, HEPATIC, TYPE I; CPT deficiency, hepatic, type IA; Carnitine palmitoyltransferase type I deficiency; Carnitine palmitoyltransferase 1A deficiency. Identifiers: Orphanet 156, MedGen C1829703, MONDO:0009705, OMIM 255120.

Allele frequency attached by ClinVar (database versions not stated): gnomAD exomes below 0.00001.
gnomAD v4.1: 3 of 1,614,008 alleles (0.00019%); highest among the groups gnomAD compares: East Asian, 0.0022%; no homozygotes.

Submissions (4):

Baylor Genetics
Classification: Pathogenic for Carnitine palmitoyl transferase 1A deficiency. Last evaluated: 2023-03-27. Review status: criteria provided, single submitter. Criteria: ACMG Guidelines, 2015. Collection method: clinical testing. Allele origin: unknown.

Labcorp Genetics (formerly Invitae), Labcorp
Classification: Pathogenic for Carnitine palmitoyl transferase 1A deficiency. Last evaluated: 2022-12-31. Review status: criteria provided, single submitter. Criteria: Invitae Variant Classification Sherloc (09022015). Collection method: clinical testing. Allele origin: germline.
Comment: This sequence change creates a premature translational stop signal (p.Arg339*) in the CPT1A gene. It is expected to result in an absent or disrupted protein product. Loss-of-function variants in CPT1A are known to be pathogenic (PMID: 16169268). This variant is present in population databases (no rsID available, gnomAD 0.003%). For these reasons, this variant has been classified as Pathogenic. ClinVar contains an entry for this variant (Variation ID: 1070426). This premature translational stop signal has been observed in individual(s) with a positive newborn screening result for CPT1A-related disease (PMID: 29519241).

Juno Genomics, Hangzhou Juno Genomics, Inc
Classification: Pathogenic for Carnitine palmitoyl transferase 1A deficiency. Review status: criteria provided, single submitter. Criteria: ACMG Guidelines, 2015. Collection method: clinical testing. Allele origin: germline.
Comment: Absent from controls (or at extremely low frequency if recessive) in Genome Aggregation Database.;Null variant in a gene where loss of function (LOF) is a known mechanism of disease.;Patient's phenotype or family history is highly specific for a disease with a single genetic etiology.

Natera, Inc.
Classification: Pathogenic for Carnitine palmitoyltransferase type I deficiency. Last evaluated: 2020-09-15. Review status: no assertion criteria provided. Collection method: clinical testing. Allele origin: germline. Not counted in ClinVar's aggregate classification.

Literature cited by the submitters: PubMed 16169268 (cited by Labcorp Genetics (formerly Invitae), Labcorp); PubMed 29519241 (cited by Labcorp Genetics (formerly Invitae), Labcorp).